The following is an entry in ClinVar:

ClinVar aggregate classification (germline): Benign/Likely benign. Review status: criteria provided, multiple submitters, no conflicts (2 of 4 stars). 3 submissions from 3 submitters: Benign (1); Likely benign (1). 1 of the submissions does not count toward it. Last evaluated 2025-12-03.

Conditions:
C7-related disorder. Also called: C7-related condition.

Allele frequency attached by ClinVar (database versions not stated): gnomAD 0.00011 and 0.00014; TOPMed 0.00015; ExAC 0.00028; gnomAD exomes 0.00028; 1000 Genomes Project 30x 0.00094; 1000 Genomes Project 0.00100.
gnomAD v4.1: 150 of 1,583,082 alleles (0.0095%); highest among the groups gnomAD compares: East Asian, 0.29%; no homozygotes.

Submissions (3):

Labcorp Genetics (formerly Invitae), Labcorp
Classification: Benign. Last evaluated: 2025-12-03. Review status: criteria provided, single submitter. Criteria: Invitae Variant Classification Sherloc (09022015). Collection method: clinical testing. Allele origin: germline.

Breakthrough Genomics
Classification: Likely benign. Review status: criteria provided, single submitter. Criteria: ACMG Guidelines, 2015. Collection method: not provided. Allele origin: germline. Inheritance: Unknown mechanism. Affected: yes.

PreventionGenetics, part of Exact Sciences
Classification: Likely benign for C7-related condition. Last evaluated: 2019-09-09. Review status: no assertion criteria provided. Collection method: clinical testing. Allele origin: germline. Not counted in ClinVar's aggregate classification.
Comment: This variant is classified as likely benign based on ACMG/AMP sequence variant interpretation guidelines (Richards et al. 2015 PMID: 25741868, with internal and published modifications).

NM_000587.4(C7):c.996C>T (p.Val332=)

Gene: C7 (complement C7; plus strand). Cytogenetic location: 5p13.1.
Variant type: single nucleotide variant.
Coding change: c.996C>T on transcript NM_000587.4 (MANE Select); coding-DNA position 996, C replaced by T.
Protein change: p.Val332=; no amino-acid change (valine 332 retained).
Molecular consequence: synonymous variant.
Genome position (GRCh38, 1-based): chr5:40,949,917, C>T. VCF-style: chr5-40949917-C-T. GRCh37 (hg19) VCF-style: chr5-40950019-C-T.
Other names: c.996C>T (NM_000587.3).
Identifiers: ClinVar variation 1166137 (VCV001166137.12), dbSNP rs193145035, ClinGen allele CA3249813.